The following is an entry in ClinVar:

ClinVar aggregate classification (germline): Uncertain significance (1 of 4 stars; one submission).

Conditions:
Neutral lipid storage myopathy (NLSDM). Also called: NEUTRAL LIPID STORAGE DISEASE WITHOUT ICHTHYOSIS. Identifiers: Orphanet 98908, MedGen C1853136, MONDO:0012545, OMIM 610717.

Submission:

Labcorp Genetics (formerly Invitae), Labcorp
Classification: Uncertain significance for Neutral lipid storage myopathy. Last evaluated: 2021-10-11. Review status: criteria provided, single submitter. Criteria: Invitae Variant Classification Sherloc (09022015). Collection method: clinical testing. Allele origin: germline.
Comment: In summary, the available evidence is currently insufficient to determine the role of this variant in disease. Therefore, it has been classified as a Variant of Uncertain Significance. Algorithms developed to predict the effect of missense changes on protein structure and function are either unavailable or do not agree on the potential impact of this missense change (SIFT: "Tolerated"; PolyPhen-2: "Possibly Damaging"; Align-GVGD: "Class C0"). This variant has not been reported in the literature in individuals affected with PNPLA2-related conditions. The frequency data for this variant in the population databases is considered unreliable, as metrics indicate insufficient coverage at this position in the ExAC database. This sequence change replaces glycine with alanine at codon 503 of the PNPLA2 protein (p.Gly503Ala). The glycine residue is weakly conserved and there is a small physicochemical difference between glycine and alanine.

NM_020376.4(PNPLA2):c.1508G>C (p.Gly503Ala)

Gene: PNPLA2 (patatin like domain 2, triacylglycerol lipase; plus strand). Cytogenetic location: 11p15.5.
Variant type: single nucleotide variant.
Coding change: c.1508G>C on transcript NM_020376.4 (MANE Select); coding-DNA position 1508, G replaced by C.
Protein change: p.Gly503Ala; replaces glycine 503 with alanine.
Molecular consequence: missense variant.
Genome position (GRCh38, 1-based): chr11:824,855, G>C. VCF-style: chr11-824855-G-C. GRCh37 (hg19) VCF-style: chr11-824855-G-C.
Other names: short protein forms G503A.
Identifiers: ClinVar variation 1495065 (VCV001495065.6), dbSNP rs2133852665, ClinGen allele CA378985910.
Genomic context (GRCh38, chr11:824,855, plus strand): 5'-GGCCTGCCCCCTTGCTGAGCACCCCTGCTCCCGAGGCCCGGCCCGTGATCGGGGCCCTGG[G>C]GCTGTGAGACCCCGACCCTCTCGAGGAACCCTGCCTGAGACGCCTCCATTACCACTGCGC-3'
Protein context (NP_065109.1, residues 493-504): PEARPVIGAL[Gly503Ala]L